The following is an entry in ClinVar:

ClinVar aggregate classification (germline): Benign/Likely benign. Review status: criteria provided, multiple submitters, no conflicts (2 of 4 stars). 3 submissions from 3 submitters: Benign (2); Likely benign (1). Last evaluated 2026-01-19.

Allele frequency attached by ClinVar (database versions not stated): gnomAD exomes 0.00042 and 0.00107; ExAC 0.00134; gnomAD 0.00405 and 0.00433; TOPMed 0.00419; ESP Exome Variant Server 0.00446; 1000 Genomes Project 0.00539; 1000 Genomes Project 30x 0.00547.

Submissions (3):

Labcorp Genetics (formerly Invitae), Labcorp
Classification: Benign. Last evaluated: 2026-01-19. Review status: criteria provided, single submitter. Criteria: Invitae Variant Classification Sherloc (09022015). Collection method: clinical testing. Allele origin: germline.

Blueprint Genetics
Classification: Likely benign. Last evaluated: 2024-11-06. Review status: criteria provided, single submitter. Criteria: ACMG Guidelines, 2015. Collection method: clinical testing. Allele origin: germline.

CeGaT Center for Human Genetics Tuebingen
Classification: Benign. Last evaluated: 2022-12-01. Review status: criteria provided, single submitter. Criteria: CeGaT Center For Human Genetics Tuebingen Variant Classification Criteria Version 2. Collection method: clinical testing. Allele origin: germline. Affected: yes. Observed: 1 variant allele.
Comment: SFRP4: BP4, BP7, BS1, BS2

NM_003014.4(SFRP4):c.1038G>C (p.Val346=)

Gene: SFRP4 (secreted frizzled related protein 4; minus strand). Cytogenetic location: 7p14.1.
Variant type: single nucleotide variant.
Coding change: c.1038G>C on transcript NM_003014.4 (MANE Select); coding-DNA position 1038, G replaced by C.
Protein change: p.Val346=; no amino-acid change (valine 346 retained).
Molecular consequence: synonymous variant.
Genome position (GRCh38, 1-based): chr7:37,907,482, C>G on the plus strand (G>C on the coding strand, the complement: SFRP4 is on the minus strand). VCF-style: chr7-37907482-C-G. GRCh37 (hg19) VCF-style: chr7-37947084-C-G.
Identifiers: ClinVar variation 788420 (VCV000788420.33), dbSNP rs35937440, ClinGen allele CA4222650.